The following is an entry in ClinVar:

NM_001378743.1(CYLD):c.2467C>T (p.Gln823Ter)

Genes: CYLD (CYLD lysine 63 deubiquitinase; plus strand), CYLD-AS2 (CYLD antisense RNA 2; minus strand). Cytogenetic location: 16q12.1.
Variant type: single nucleotide variant.
Coding change: c.2467C>T on transcript NM_001378743.1 (MANE Select); coding-DNA position 2467, C replaced by T.
Protein change: p.Gln823Ter; replaces glutamine 823 with a stop codon.
Molecular consequence: nonsense. On other transcripts: non-coding transcript variant (1).
Genome position (GRCh38, 1-based): chr16:50,793,662, C>T. VCF-style: chr16-50793662-C-T. GRCh37 (hg19) VCF-style: chr16-50827573-C-T.
Other names: c.2458C>T, p.Gln820Ter (NM_001042355.2, NM_001042412.3, NM_001378744.1 and 6 more transcripts); c.2428C>T, p.Gln810Ter (NM_001378751.1, NM_001378752.1, NM_001378753.1); c.1792C>T, p.Gln598Ter (NM_001378754.1, NM_001378755.1); c.2467C>T, p.Gln823Ter (NM_015247.3); short protein forms Q598*, Q810*, Q820*, Q823*.
Identifiers: ClinVar variation 4886769 (VCV004886769.1).

ClinVar aggregate classification (germline): Pathogenic (1 of 4 stars; one submission).

Conditions:
Multiple monogenic benign skin tumours.

Submission:

Genetics Laboratory, Great Ormond Street Hospital NHS Foundation Trust, North Thames Genomic Laboratory Hub
Classification: Pathogenic for Multiple monogenic benign skin tumours. Last evaluated: 2026-06-24. Review status: criteria provided, single submitter. Criteria: ACGS Best Practice Guidelines for Variant Classification in Rare Disease 2024 v1.2. Collection method: clinical testing. Allele origin: germline. Affected: yes.
Comment: PM2_moderate, PVS1_very-strong, PP4_supporting